The following is an entry in ClinVar:

ClinVar aggregate classification (germline): Uncertain significance (1 of 4 stars; one submission).

Conditions:
PLXNA2-related disorder. Also called: PLXNA2-related condition.

Submission:

PreventionGenetics, part of Exact Sciences
Classification: Uncertain significance for PLXNA2-related condition. Last evaluated: 2026-08-13. Review status: criteria provided, single submitter. Criteria: ACMG Guidelines, 2015. Collection method: clinical testing. Allele origin: germline.
Comment: The PLXNA2 c.1322A>T variant is predicted to result in the amino acid substitution p.Asn441Ile. To our knowledge, this variant has not been reported in the literature. This variant is reported in 0.0029% of alleles in individuals of Latino descent in gnomAD. At this time, the clinical significance of this variant is uncertain due to the absence of conclusive functional and genetic evidence.

NM_025179.4(PLXNA2):c.1322A>T (p.Asn441Ile)

Gene: PLXNA2 (plexin A2; minus strand). Cytogenetic location: 1q32.2.
Variant type: single nucleotide variant.
Coding change: c.1322A>T on transcript NM_025179.4 (MANE Select); coding-DNA position 1322, A replaced by T.
Protein change: p.Asn441Ile; replaces asparagine 441 with isoleucine.
Molecular consequence: missense variant.
Genome position (GRCh38, 1-based): chr1:208,210,329, T>A on the plus strand (A>T on the coding strand, the complement: PLXNA2 is on the minus strand). VCF-style: chr1-208210329-T-A. GRCh37 (hg19) VCF-style: chr1-208383674-T-A.
Other names: short protein forms N441I.
Identifiers: ClinVar variation 4996677 (VCV004996677.1).